The following is an entry in ClinVar:

NM_001370259.2(MEN1):c.113C>T (p.Ser38Phe)

Gene: MEN1 (menin 1; minus strand). Cytogenetic location: 11q13.1.
Variant type: single nucleotide variant.
Coding change: c.113C>T on transcript NM_001370259.2 (MANE Select); coding-DNA position 113, C replaced by T.
Protein change: p.Ser38Phe; replaces serine 38 with phenylalanine.
Molecular consequence: missense variant.
Genome position (GRCh38, 1-based): chr11:64,809,997, G>A on the plus strand (C>T on the coding strand, the complement: MEN1 is on the minus strand). VCF-style: chr11-64809997-G-A. GRCh37 (hg19) VCF-style: chr11-64577469-G-A.
Other names: c.113C>T, p.Ser38Phe (NM_000244.4, NM_001370251.2, NM_001370260.2 and 9 more transcripts); short protein forms S38F.
Identifiers: ClinVar variation 200971 (VCV000200971.16), dbSNP rs794728616, ClinGen allele CA009043.
Genomic context (GRCh38, chr11:64,809,997, plus strand): 5'-ACGTTGGTAGGGATGACGCGGTTGACAGCCAGAAAATGCTCCACGAAGCCCAGCACCAAG[G>A]AAAGGAGCACCAGGTCCGGCTCCTCTCGGCCCAGCTCGGCAGCAAACAGGCGCACCACGT-3'
Protein context (NP_001357188.2, residues 28-48): GREEPDLVLL[Ser38Phe]LVLGFVEHFL

ClinVar aggregate classification (germline): Pathogenic/Likely pathogenic. Review status: criteria provided, multiple submitters, no conflicts (2 of 4 stars). 5 submissions from 5 submitters: Pathogenic (3); Likely pathogenic (2). Last evaluated 2026-05-28.

Conditions:
MEN1-related disorder. Also called: MEN1-related condition.
Hereditary cancer-predisposing syndrome. Also called: Neoplastic Syndromes, Hereditary; Hereditary Cancer Syndrome; Tumor predisposition; Hereditary neoplastic syndrome. Identifiers: Orphanet 140162, MedGen C0027672, MeSH D009386, MONDO:0015356.
Multiple endocrine neoplasia, type 1 (MEN1). Also called: MEN I; WERMER SYNDROME; Endocrine adenomatosis multiple; MEN 1; MEA I. Identifiers: Orphanet 652, MedGen C0025267, MeSH D018761, MONDO:0007540, OMIM 131100.

Submissions (5):

Women's Health and Genetics/Laboratory Corporation of America, LabCorp
Classification: Pathogenic for Multiple endocrine neoplasia, type 1. Last evaluated: 2026-05-28. Review status: criteria provided, single submitter. Criteria: LabCorp Variant Classification Summary - May 2015. Collection method: clinical testing. Allele origin: germline.
Comment: Variant summary: MEN1 c.113C>T (p.Ser38Phe) results in a non-conservative amino acid change in the encoded protein sequence. Algorithms developed to predict the effect of missense changes on protein structure and function all suggest that this variant is likely to be disruptive. The variant was absent in 227372 control chromosomes. Internally validated machine learning-based Evidence Modeling of protein sequence and biophysical properties (such as structural, functional, and spatial information, amino acid conservation, physicochemical variation, residue mobility, and thermodynamic stability) indicates that this missense variant is expected to disrupt protein function with a positive predictive value of at least 95%. c.113C>T has been observed in individual(s) affected with Multiple Endocrine Neoplasia Type 1, including a de novo case and segregation of the variant in a family (Internal data). These data indicate that the variant is likely to be associated with disease. To our knowledge, no experimental evidence demonstrating an impact on protein function has been reported. ClinVar contains an entry for this variant (Variation ID: 200971). Based on the evidence outlined above, the variant was classified as pathogenic.

Labcorp Genetics (formerly Invitae), Labcorp
Classification: Pathogenic for Multiple endocrine neoplasia, type 1. Last evaluated: 2025-12-03. Review status: criteria provided, single submitter. Criteria: Invitae Variant Classification Sherloc (09022015). Collection method: clinical testing. Allele origin: germline.
Comment: This sequence change replaces serine, which is neutral and polar, with phenylalanine, which is neutral and non-polar, at codon 38 of the MEN1 protein (p.Ser38Phe). This variant is not present in population databases (gnomAD no frequency). This missense change has been observed in individual(s) with multiple endocrine neoplasia type 1 (internal data). In at least one individual the variant was observed to be de novo. It has also been observed to segregate with disease in related individuals. Invitae Evidence Modeling of clinical and family history, age, sex, and reported ancestry of multiple individuals with this MEN1 variant has been performed. This variant is expected to be pathogenic with a positive predictive value of at least 99%. This is a validated machine learning model that incorporates the clinical features of 1,366,787 individuals referred to our laboratory for MEN1 testing. ClinVar contains an entry for this variant (Variation ID: 200971). Invitae Evidence Modeling of protein sequence and biophysical properties (such as structural, functional, and spatial information, amino acid conservation, physicochemical variation, residue mobility, and thermodynamic stability) indicates that this missense variant is expected to disrupt MEN1 protein function with a positive predictive value of 95%. For these reasons, this variant has been classified as Pathogenic.

Blueprint Genetics
Classification: Likely pathogenic for MEN1-related disorders. Last evaluated: 2023-03-30. Review status: criteria provided, single submitter. Criteria: ACMG Guidelines, 2015. Collection method: clinical testing. Allele origin: germline. Affected: yes. Observed: 1 variant allele.

Ambry Genetics
Classification: Pathogenic for Hereditary cancer-predisposing syndrome. Last evaluated: 2021-12-27. Review status: criteria provided, single submitter. Criteria: Ambry Variant Classification Scheme 2023. Collection method: clinical testing. Allele origin: germline.
Comment: The p.S38F pathogenic mutation (also known as c.113C>T), located in coding exon 1 of the MEN1 gene, results from a C to T substitution at nucleotide position 113. The serine at codon 38 is replaced by phenylalanine, an amino acid with highly dissimilar properties. This alteration has been detected in several individuals with a clinical diagnosis of multiple endocrine neoplasia type 1 (Ambry internal data). Based on internal structural analysis, S38F is more destabilizing to the MEN1 N-terminal domain than several nearby internally pathogenic variants (Zhou H et al. J Med Chem. 2013 Feb;56:1113-23; Ambry internal data). This variant is considered to be rare based on population cohorts in the Genome Aggregation Database (gnomAD). This amino acid position is highly conserved in available vertebrate species. In addition, this alteration is predicted to be deleterious by in silico analysis. Based on the majority of available evidence to date, this variant is likely to be pathogenic.

Center for Human Genetics, Inc
Classification: Likely pathogenic for Multiple endocrine neoplasia, type 1. Last evaluated: 2016-11-01. Review status: criteria provided, single submitter. Criteria: ACMG Guidelines, 2015. Collection method: clinical testing. Allele origin: germline. Affected: yes.

Literature cited by the submitters: PubMed 23244744 (cited by Ambry Genetics); PubMed 30339208 (cited by Ambry Genetics).